The following is an entry in ClinVar:

ClinVar aggregate classification (germline): Pathogenic. Review status: reviewed by expert panel (3 of 4 stars). 2 submissions from 2 submitters: Pathogenic (1). 1 of the submissions does not count toward it. Last evaluated 2026-01-16.

Conditions:
Hereditary antithrombin deficiency (AT3D). Also called: Reduced antithrombin III activity; Antithrombin III deficiency; Antithrombin deficiency; Thrombophilia due to antithrombin III deficiency. Identifiers: Orphanet 82, MedGen C0272375, MONDO:0013144, OMIM 613118, HP:0001976.

Submissions (2):

Clingen Thrombosis Variant Curation Expert Panel, ClinGen
Classification: Pathogenic for Hereditary antithrombin deficiency. Last evaluated: 2026-01-16. Review status: reviewed by expert panel. Criteria: ClinGen ACMG Specifications SERPINC1 V1.0.0. Collection method: curation. Allele origin: germline. Inheritance: Autosomal dominant inheritance.
Comment: The c.771del (p.Trp257Ter) variant in SERPINC1 is a nonsense variant predicted to cause a premature stop codon in biologically-relevant-exon 5/7 leading to nonsense mediated decay in a gene in which loss-of-function is an established disease mechanism (PVS1). This variant is absent from gnomAD v4.1.0 (PM2_Supporting). At least one proband is known to harbor this variant with repeated decreased antithrombin levels (58% and 50%) meeting PS4_Supporting criteria (VCEP contributor). In summary, this variant meets the criteria to be classified as likely pathogenic for autosomal dominant hereditary antithrombin deficiency based on the ACMG/AMP criteria applied, as specified by the ClinGen Thrombosis VCEP: PVS1, PS4_Supporting, PM2_Supporting.

NIHR Bioresource Rare Diseases, University of Cambridge
Classification: Likely pathogenic for Hereditary antithrombin deficiency. Last evaluated: 2019-02-01. Review status: criteria provided, single submitter. Criteria: ACMG Guidelines, 2015. Collection method: research. Allele origin: unknown. Affected: yes. Observed: 1 heterozygote. Study: ThromboGenomics. Not counted in ClinVar's aggregate classification.

Literature cited by the submitters: PubMed 31064749 (cited by NIHR Bioresource Rare Diseases, University of Cambridge).

NM_000488.4(SERPINC1):c.771del (p.Leu256_Trp257insTer)

Gene: SERPINC1 (serpin family C member 1; minus strand). Cytogenetic location: 1q25.1.
Variant type: Deletion.
Coding change: c.771del on transcript NM_000488.4 (MANE Select); coding-DNA position 771, one base deleted (G; older notation c.771delG).
Protein change: p.Leu256_Trp257insTer.
Molecular consequence: nonsense. On other transcripts: intron variant (1).
Genome position (GRCh38, 1-based): chr1:173,909,934, C deleted on the plus strand (G on the coding strand, the reverse complement: SERPINC1 is on the minus strand); the first of 2 consecutive C bases (chr1:173,909,934-173,909,935); deleting either gives the same sequence. VCF-style (leftmost placement, unchanged base first): chr1-173909933-TC-T. GRCh37 (hg19) VCF-style: chr1-173879071-TC-T.
Other names: NM_000488.4(SERPINC1):c.771del; p.Leu256_Trp257insTer; c.771delG (NM_000488.3); c.627del, p.Leu208_Trp209insTer (NM_001365052.2); c.894del, p.Leu297_Trp298insTer (NM_001386302.1); c.852del, p.Leu283_Trp284insTer (NM_001386303.1); c.750del, p.Leu249_Trp250insTer (NM_001386304.1); c.555del, p.Leu184_Trp185insTer (NM_001386306.1); and 1 more.
Identifiers: ClinVar variation 627374 (VCV000627374.4), dbSNP rs1572088853, ClinGen allele CA915943671.
Genomic context (GRCh38, chr1:173,909,933, plus strand): 5'-ACTCTCCATCAGCCTTGTAGAACAGTTCCTTCCTTGTGTTCTCAGGGCTGAACTTTGACT[TC>T]CACAGGCCCTGGAAGAGAATCACAAAGTAAGAACACAAACATTCATAGGAGGATAGTTAT-3'